The following is an entry in ClinVar:

ClinVar aggregate classification (germline): Uncertain significance (1 of 4 stars; one submission).

Conditions:
Neurofibromatosis, type 1 (NF1). Also called: NEUROFIBROMATOSIS, TYPE I, SOMATIC; Peripheral type neurofibromatosis; VON RECKLINGHAUSEN DISEASE; Neurofibromatosis, type I. Identifiers: Orphanet 636, MedGen C0027831, MONDO:0018975, OMIM 162200. Disease mechanism: loss of function.

Submission:

Labcorp Genetics (formerly Invitae), Labcorp
Classification: Uncertain significance for Neurofibromatosis, type 1. Last evaluated: 2020-03-10. Review status: criteria provided, single submitter. Criteria: Invitae Variant Classification Sherloc (09022015). Collection method: clinical testing. Allele origin: germline.
Comment: This sequence change replaces leucine with valine at codon 447 of the NF1 protein (p.Leu447Val). The leucine residue is highly conserved and there is a small physicochemical difference between leucine and valine. This variant is not present in population databases (ExAC no frequency). This variant has not been reported in the literature in individuals with NF1-related conditions. Algorithms developed to predict the effect of missense changes on protein structure and function are either unavailable or do not agree on the potential impact of this missense change (SIFT: "Deleterious"; PolyPhen-2: "Benign"; Align-GVGD: "Class C0"). Algorithms developed to predict the effect of sequence changes on RNA splicing suggest that this variant may create or strengthen a splice site, but this prediction has not been confirmed by published transcriptional studies. This variant disrupts the p.Leu447 amino acid residue in NF1. Other variant(s) that disrupt this residue have been determined to be pathogenic (Invitae). This suggests that this residue is clinically significant, and that variants that disrupt this residue are likely to be disease-causing. In summary, the available evidence is currently insufficient to determine the role of this variant in disease. Therefore, it has been classified as a Variant of Uncertain Significance.

NM_001042492.3(NF1):c.1339C>G (p.Leu447Val)

Gene: NF1 (neurofibromin 1; plus strand). Cytogenetic location: 17q11.2.
Variant type: single nucleotide variant.
Coding change: c.1339C>G on transcript NM_001042492.3 (MANE Select); coding-DNA position 1339, C replaced by G.
Protein change: p.Leu447Val; replaces leucine 447 with valine.
Molecular consequence: missense variant.
Genome position (GRCh38, 1-based): chr17:31,206,318, C>G. VCF-style: chr17-31206318-C-G. GRCh37 (hg19) VCF-style: chr17-29533336-C-G.
Other names: c.1339C>G, p.Leu447Val (NM_000267.4, NM_001128147.3); short protein forms L447V.
Identifiers: ClinVar variation 1000129 (VCV001000129.5), dbSNP rs2066620866, ClinGen allele CA398999557.